The following is an entry in ClinVar:

ClinVar aggregate classification (germline): Uncertain significance (1 of 4 stars; one submission).

Conditions:
Inborn genetic diseases. Identifiers: MedGen C0950123, MeSH D030342.

gnomAD v4.1: 1 of 1,613,110 alleles (0.000062%); highest among the groups gnomAD compares: South Asian, 0.0011%; no homozygotes.

Submission:

Ambry Genetics
Classification: Uncertain significance for Inborn genetic diseases. Last evaluated: 2025-03-17. Review status: criteria provided, single submitter. Criteria: Ambry Variant Classification Scheme 2023. Collection method: clinical testing. Allele origin: germline.
Comment: The p.T951I variant (also known as c.2852C>T), located in coding exon 1 of the SAMD9L gene, results from a C to T substitution at nucleotide position 2852. The threonine at codon 951 is replaced by isoleucine, an amino acid with similar properties. This amino acid position is conserved. In addition, this alteration is predicted to be tolerated by in silico analysis. Based on the available evidence, the clinical significance of this variant remains unclear.

NM_152703.5(SAMD9L):c.2852C>T (p.Thr951Ile)

Gene: SAMD9L (sterile alpha motif domain containing 9 like; minus strand). Cytogenetic location: 7q21.2.
Variant type: single nucleotide variant.
Coding change: c.2852C>T on transcript NM_152703.5 (MANE Select); coding-DNA position 2852, C replaced by T.
Protein change: p.Thr951Ile; replaces threonine 951 with isoleucine.
Molecular consequence: missense variant.
Genome position (GRCh38, 1-based): chr7:93,133,120, G>A on the plus strand (C>T on the coding strand, the complement: SAMD9L is on the minus strand). VCF-style: chr7-93133120-G-A. GRCh37 (hg19) VCF-style: chr7-92762433-G-A.
Other names: c.2852C>T, p.Thr951Ile (NM_001303496.3, NM_001303497.3, NM_001303498.3 and 5 more transcripts); short protein forms T951I.
Identifiers: ClinVar variation 3949759 (VCV003949759.1).